The following is an entry in ClinVar:

ClinVar aggregate classification (germline): Likely pathogenic (1 of 4 stars; one submission).

Conditions:
MYT1L-related disorder. Also called: MYT1L-related condition.

Submission:

PreventionGenetics, part of Exact Sciences
Classification: Likely pathogenic for MYT1L-related condition. Last evaluated: 2024-10-24. Review status: criteria provided, single submitter. Criteria: ACMG Guidelines, 2015. Collection method: clinical testing. Allele origin: germline.
Comment: The MYT1L c.1211_1214delGGTG variant is predicted to result in a frameshift and premature protein termination (p.Gly404Valfs*11). To our knowledge, this variant has not been reported in the literature or in a large population database (gnomAD), indicating this variant is rare. Frameshift variants in MYT1L are expected to be pathogenic. This variant is interpreted as likely pathogenic.

NM_001303052.2(MYT1L):c.1211_1214del (p.Gly404fs)

Gene: MYT1L (myelin transcription factor 1 like; minus strand). Cytogenetic location: 2p25.3.
Variant type: Deletion.
Coding change: c.1211_1214del on transcript NM_001303052.2 (MANE Select); coding-DNA positions 1211 to 1214, 4 bases deleted (GGTG; older notation c.1211_1214delGGTG).
Protein change: p.Gly404fs; shifts the reading frame from glycine 404.
Molecular consequence: frameshift variant.
Genome position (GRCh38, 1-based): chr2:1,922,555-1,922,558, CACC deleted on the plus strand (GGTG on the coding strand, the reverse complement: MYT1L is on the minus strand); deleting any 4 consecutive bases within chr2:1,922,555-1,922,560 gives the same sequence; the c. name uses the placement nearest the transcript's 3' end. VCF-style (leftmost placement, unchanged base first): chr2-1922554-ACACC-A. GRCh37 (hg19) VCF-style: chr2-1926326-ACACC-A.
Other names: c.1211_1214del, p.Gly404fs (NM_001329844.2, NM_001329845.1, NM_001329846.3 and 6 more transcripts); short protein forms G404fs.
Identifiers: ClinVar variation 5000546 (VCV005000546.1).